The following is an entry in ClinVar:

ClinVar aggregate classification (germline): Uncertain significance. Review status: criteria provided, multiple submitters, no conflicts (2 of 4 stars). 2 submissions from 2 submitters: Uncertain significance (2). Last evaluated 2026-03-09.

gnomAD v4.1: 7 of 1,614,034 alleles (0.00043%); highest among the groups gnomAD compares: Admixed American, 0.005%; no homozygotes.

Submissions (2):

Women's Health and Genetics/Laboratory Corporation of America, LabCorp
Classification: Uncertain significance. Last evaluated: 2026-03-09. Review status: criteria provided, single submitter. Criteria: LabCorp Variant Classification Summary - May 2015. Collection method: clinical testing. Allele origin: germline.
Comment: Variant summary: C1S c.415G>A (p.Val139Ile) results in a conservative amino acid change in the encoded protein sequence. Algorithms developed to predict the effect of missense changes on protein structure and function all suggest that this variant is likely to be tolerated. The variant allele was found at a frequency of 1.2e-05 in 251456 control chromosomes. The available data on variant occurrences in the general population are insufficient to allow any conclusion about variant significance. To our knowledge, no occurrence of c.415G>A in individuals affected with C1S-related conditions and no experimental evidence demonstrating its impact on protein function have been reported. ClinVar contains an entry for this variant (Variation ID: 1944551). Based on the evidence outlined above, the variant was classified as uncertain significance.

Labcorp Genetics (formerly Invitae), Labcorp
Classification: Uncertain significance. Last evaluated: 2025-08-01. Review status: criteria provided, single submitter. Criteria: Invitae Variant Classification Sherloc (09022015). Collection method: clinical testing. Allele origin: germline.
Comment: This sequence change replaces valine, which is neutral and non-polar, with isoleucine, which is neutral and non-polar, at codon 139 of the C1S protein (p.Val139Ile). This variant is present in population databases (no rsID available, gnomAD 0.006%). This variant has not been reported in the literature in individuals affected with C1S-related conditions. ClinVar contains an entry for this variant (Variation ID: 1944551). An algorithm developed to predict the effect of missense changes on protein structure and function (PolyPhen-2) suggests that this variant is likely to be tolerated. In summary, the available evidence is currently insufficient to determine the role of this variant in disease. Therefore, it has been classified as a Variant of Uncertain Significance.

NM_001734.5(C1S):c.415G>A (p.Val139Ile)

Gene: C1S (complement C1s; plus strand). Cytogenetic location: 12p13.31.
Variant type: single nucleotide variant.
Coding change: c.415G>A on transcript NM_001734.5 (MANE Select); coding-DNA position 415, G replaced by A.
Protein change: p.Val139Ile; replaces valine 139 with isoleucine.
Molecular consequence: missense variant. On other transcripts: 5 prime UTR variant (1).
Genome position (GRCh38, 1-based): chr12:7,064,290, G>A. VCF-style: chr12-7064290-G-A. GRCh37 (hg19) VCF-style: chr12-7171594-G-A.
Other names: c.-87G>A (NM_001346850.2); c.415G>A, p.Val139Ile (NM_201442.4); short protein forms V139I.
Identifiers: ClinVar variation 1944551 (VCV001944551.6), dbSNP rs782450565, ClinGen allele CA383692010.